The following is an entry in ClinVar:

ClinVar aggregate classification (germline): Likely benign (1 of 4 stars; one submission).

gnomAD v4.1: 1 of 1,614,206 alleles (0.000062%); highest among the groups gnomAD compares: Non-Finnish European, 0.000085%; no homozygotes.

Submission:

CeGaT Center for Human Genetics Tuebingen
Classification: Likely benign. Last evaluated: 2024-12-01. Review status: criteria provided, single submitter. Criteria: CeGaT Center For Human Genetics Tuebingen Variant Classification Criteria Version 2. Collection method: clinical testing. Allele origin: germline. Affected: yes. Observed: 1 variant allele.
Comment: SMARCB1: BP4, BP7

NM_003073.5(SMARCB1):c.500+37T>C

Gene: SMARCB1 (SWI/SNF related BAF chromatin remodeling complex subunit B1; plus strand). Cytogenetic location: 22q11.23.
Variant type: single nucleotide variant.
Coding change: c.500+37T>C on transcript NM_003073.5 (MANE Select); 37 bases into the intron after coding-DNA position 500, T replaced by C.
Molecular consequence: intron variant. On other transcripts: synonymous variant (2).
Genome position (GRCh38, 1-based): chr22:23,801,118, T>C. VCF-style: chr22-23801118-T-C. GRCh37 (hg19) VCF-style: chr22-24143305-T-C.
Other names: c.510T>C, p.Asp170= (NM_001317946.2); c.537T>C, p.Asp179= (NM_001362877.2); c.473+37T>C (NM_001007468.3).
Identifiers: ClinVar variation 3772116 (VCV003772116.13).